The following is an entry in ClinVar:

NM_004706.4(ARHGEF1):c.929G>A (p.Arg310Gln)

Gene: ARHGEF1 (Rho guanine nucleotide exchange factor 1; plus strand). Cytogenetic location: 19q13.2.
Variant type: single nucleotide variant.
Coding change: c.929G>A on transcript NM_004706.4 (MANE Select); coding-DNA position 929, G replaced by A.
Protein change: p.Arg310Gln; replaces arginine 310 with glutamine.
Molecular consequence: missense variant. On other transcripts: non-coding transcript variant (2).
Genome position (GRCh38, 1-based): chr19:41,895,400, G>A. VCF-style: chr19-41895400-G-A. GRCh37 (hg19) VCF-style: chr19-42399473-G-A.
Other names: c.929G>A, p.Arg310Gln (NM_001396000.1, NM_001396003.1, NM_001396006.1); c.830G>A, p.Arg277Gln (NM_001396002.1, NM_001396004.1, NM_198977.2); c.974G>A, p.Arg325Gln (NM_199002.2); short protein forms R277Q, R310Q, R325Q.
Identifiers: ClinVar variation 3670599 (VCV003670599.2).
Genomic context (GRCh38, chr19:41,895,400, plus strand): 5'-TCTCCCCAGCCGAGAAGCCAGGTGCTACAGACCGGAAGGGAGGCGTGGGGATGCCCTCTC[G>A]GGACCGGAATATCGGGGCTCCTGGGCAGGACACCCCTGGAGTCTCTCTGCACCCTCTGTC-3'
Protein context (NP_004697.2, residues 300-320): DRKGGVGMPS[Arg310Gln]DRNIGAPGQD

ClinVar aggregate classification (germline): Uncertain significance (1 of 4 stars; one submission).

gnomAD v4.1: 4 of 1,612,746 alleles (0.00025%); highest among the groups gnomAD compares: Admixed American, 0.0017%; no homozygotes.

Submission:

Labcorp Genetics (formerly Invitae), Labcorp
Classification: Uncertain significance. Last evaluated: 2025-08-30. Review status: criteria provided, single submitter. Criteria: Invitae Variant Classification Sherloc (09022015). Collection method: clinical testing. Allele origin: germline.
Comment: This sequence change replaces arginine, which is basic and polar, with glutamine, which is neutral and polar, at codon 325 of the ARHGEF1 protein (p.Arg325Gln). This variant is present in population databases (no rsID available, gnomAD 0.003%). This variant has not been reported in the literature in individuals affected with ARHGEF1-related conditions. ClinVar contains an entry for this variant (Variation ID: 3670599). An algorithm developed to predict the effect of missense changes on protein structure and function (PolyPhen-2) suggests that this variant is likely to be disruptive. In summary, the available evidence is currently insufficient to determine the role of this variant in disease. Therefore, it has been classified as a Variant of Uncertain Significance.